The following is an entry in ClinVar:

ClinVar aggregate classification (germline): Uncertain significance. Review status: criteria provided, multiple submitters, no conflicts (2 of 4 stars). 2 submissions from 2 submitters: Uncertain significance (2). Last evaluated 2022-02-16.

Conditions:
Hereditary cancer-predisposing syndrome. Also called: Hereditary neoplastic syndrome; Neoplastic Syndromes, Hereditary; Tumor predisposition; Hereditary Cancer Syndrome. Identifiers: Orphanet 140162, MedGen C0027672, MeSH D009386, MONDO:0015356.

Submissions (2):

Sema4
Classification: Uncertain significance for Hereditary cancer-predisposing syndrome. Last evaluated: 2022-02-16. Review status: criteria provided, single submitter. Criteria: Sema4 Curation Guidelines. Collection method: curation. Allele origin: germline.
Comment: The BRIP1 c.3521G>C (p.R1174T) variant has not been reported in the literature to our knowledge. This variant is not reported in the population database Genome Aggregation Database (PMID: 32461654). The variant has been reported in ClinVar (Variation ID: 186057). In silico tools suggest the impact of the variant on protein function is benign, though these predictions have not been confirmed by functional studies. There is no indication that this variant causes disease, but the evidence is insufficient currently to prove that conclusively. Thus, the clinical significance of this variant is currently uncertain.

Ambry Genetics
Classification: Uncertain significance for Hereditary cancer-predisposing syndrome. Last evaluated: 2014-09-02. Review status: criteria provided, single submitter. Criteria: Ambry Variant Classification Scheme 2023. Collection method: clinical testing. Allele origin: germline.
Comment: The p.R1174T variant (also known as c.3521G>C), located in coding exon 19 of the BRIP1 gene, results from a G to C substitution at nucleotide position 3521. The arginine at codon 1174 is replaced by threonine, an amino acid with similar properties. This variant was not reported in population based cohorts in the following databases: Database of Single Nucleotide Polymorphisms (dbSNP), NHLBI Exome Sequencing Project (ESP), and 1000 Genomes Project. In the ESP, this variant was not observed in 6499 samples (12998 alleles) with coverage at this position. To date, this alteration has been detected with an allele frequency of approximately 0.005% (greater than 22000 alleles tested) in our clinical cohort. This amino acid position is not well conserved in available vertebrate species. In addition, this alteration is predicted to be benign and tolerated by PolyPhen and SIFT in silico analyses, respectively. Since supporting evidence is limited at this time, the clinical significance of p.R1174T remains unclear.

NM_032043.3(BRIP1):c.3521G>C (p.Arg1174Thr)

Gene: BRIP1 (BRCA1 interacting DNA helicase 1; minus strand). Cytogenetic location: 17q23.2.
Variant type: single nucleotide variant.
Coding change: c.3521G>C on transcript NM_032043.3 (MANE Select); coding-DNA position 3521, G replaced by C.
Protein change: p.Arg1174Thr; replaces arginine 1174 with threonine.
Molecular consequence: missense variant.
Genome position (GRCh38, 1-based): chr17:61,683,525, C>G on the plus strand (G>C on the coding strand, the complement: BRIP1 is on the minus strand). VCF-style: chr17-61683525-C-G. GRCh37 (hg19) VCF-style: chr17-59760886-C-G.
Other names: short protein forms R1174T.
Identifiers: ClinVar variation 186057 (VCV000186057.6), dbSNP rs786202662, ClinGen allele CA193750.